The following is an entry in ClinVar:

NM_002439.5(MSH3):c.1981T>C (p.Ser661Pro)

Gene: MSH3 (mutS homolog 3; plus strand). Cytogenetic location: 5q14.1.
Variant type: single nucleotide variant.
Coding change: c.1981T>C on transcript NM_002439.5 (MANE Select); coding-DNA position 1981, T replaced by C.
Protein change: p.Ser661Pro; replaces serine 661 with proline.
Molecular consequence: missense variant.
Genome position (GRCh38, 1-based): chr5:80,768,017, T>C. VCF-style: chr5-80768017-T-C. GRCh37 (hg19) VCF-style: chr5-80063836-T-C.
Other names: short protein forms S661P.
Identifiers: ClinVar variation 4111069 (VCV004111069.1).

ClinVar aggregate classification (germline): Uncertain significance (1 of 4 stars; one submission).

Conditions:
Hereditary cancer-predisposing syndrome. Also called: Tumor predisposition; Neoplastic Syndromes, Hereditary; Hereditary neoplastic syndrome; Hereditary Cancer Syndrome. Identifiers: Orphanet 140162, MedGen C0027672, MeSH D009386, MONDO:0015356.

Submission:

Ambry Genetics
Classification: Uncertain significance for Hereditary cancer-predisposing syndrome. Last evaluated: 2025-06-25. Review status: criteria provided, single submitter. Criteria: Ambry Variant Classification Scheme 2023. Collection method: clinical testing. Allele origin: germline.
Comment: The p.S661P variant (also known as c.1981T>C), located in coding exon 14 of the MSH3 gene, results from a T to C substitution at nucleotide position 1981. The serine at codon 661 is replaced by proline, an amino acid with similar properties. This amino acid position is conserved. In addition, the in silico prediction for this alteration is inconclusive. Based on the available evidence, the clinical significance of this variant remains unclear.